The following is an entry in ClinVar:

NM_000372.5(TYR):c.1075C>T (p.Gln359Ter)

Gene: TYR (tyrosinase; plus strand). Cytogenetic location: 11q14.3.
Variant type: single nucleotide variant.
Coding change: c.1075C>T on transcript NM_000372.5 (MANE Select); coding-DNA position 1075, C replaced by T.
Protein change: p.Gln359Ter; replaces glutamine 359 with a stop codon.
Molecular consequence: nonsense.
Genome position (GRCh38, 1-based): chr11:89,227,861, C>T. VCF-style: chr11-89227861-C-T. GRCh37 (hg19) VCF-style: chr11-88961029-C-T.
Other names: short protein forms Q359*.
Identifiers: ClinVar variation 99529 (VCV000099529.35), dbSNP rs62645909, ClinGen allele CA227491.

ClinVar aggregate classification (germline): Pathogenic. Review status: criteria provided, multiple submitters, no conflicts (2 of 4 stars). 5 submissions from 5 submitters: Pathogenic (4). 1 of the submissions does not count toward it. Last evaluated 2025-02-26.

Conditions:
Oculocutaneous albinism type 1. Also called: Albinism 1; ALBINISM I. Identifiers: Orphanet 352731, MedGen C0268494, MONDO:0018135. Disease mechanism: loss of function.
SKIN/HAIR/EYE PIGMENTATION 3, LIGHT/DARK SKIN (SHEP3). Also called: EYE COLOR 1; EYE COLOR, GREEN/BLUE; SKIN/HAIR/EYE PIGMENTATION 3, BLUE/GREEN EYE COLOR; SKIN/HAIR/EYE PIGMENTATION 3, FRECKLING; SKIN/HAIR/EYE PIGMENTATION, VARIATION IN, 3. Identifiers: MedGen C2677190, OMIM 601800.

Allele frequency attached by ClinVar (database versions not stated): gnomAD exomes below 0.00001 and 0.00001.
gnomAD v4.1: 2 of 1,613,302 alleles (0.00012%); highest among the groups gnomAD compares: Admixed American, 0.0017%; no homozygotes.

Submissions (5):

Dasa
Classification: Pathogenic. Last evaluated: 2025-02-26. Review status: criteria provided, single submitter. Criteria: DASA Assertion Criteria. Collection method: clinical testing. Allele origin: germline.
Comment: NM_000372.5(TYR):c.1075C>T (p.Gln359*) introduces a premature termination codon predicted to result in loss of normal protein function. Loss-of-function is an established mechanism of disease for this gene. This variant has been observed in affected individuals with related phenotype in a genotype context consistent with recessive disease (PMID: 9259202; PMID: 19060277). This variant has been recurrently observed in individuals with related phenotype (PMID: 9259202; PMID: 19060277). The variant is present at low frequency in population datasets. Based on the available data, this variant is classified as pathogenic.

Myriad Genetics, Inc.
Classification: Pathogenic for Oculocutaneous albinism type 1. Last evaluated: 2024-08-13. Review status: criteria provided, single submitter. Criteria: Myriad Autosomal Dominant, Autosomal Recessive and X-Linked Classification Criteria (2023). Collection method: clinical testing. Allele origin: unknown.
Comment: NM_000372.4(TYR):c.1075C>T(Q359*) is expected to be pathogenic in the context of oculocutaneous albinism, TYR-related. This variant is predicted to lead to an abnormal or absent protein product due to the creation of a premature termination codon in TYR, a gene where loss-of-function variants are known to be pathogenic. Please note: this variant was assessed in the context of healthy population screening.

Baylor Genetics
Classification: Pathogenic for SKIN/HAIR/EYE PIGMENTATION 3, LIGHT/DARK SKIN. Last evaluated: 2023-05-01. Review status: criteria provided, single submitter. Criteria: ACMG Guidelines, 2015. Collection method: clinical testing. Allele origin: unknown.

CeGaT Center for Human Genetics Tuebingen
Classification: Pathogenic. Last evaluated: 2022-05-01. Review status: criteria provided, single submitter. Criteria: CeGaT Center For Human Genetics Tuebingen Variant Classification Criteria Version 2. Collection method: clinical testing. Allele origin: germline. Affected: yes. Observed: 1 variant allele.
Comment: TYR: PVS1, PM2, PM3

Retina International
No classification provided. Review status: no classification provided. Collection method: not provided. Allele origin: not provided. Not counted in ClinVar's aggregate classification.

Literature cited by the submitters: PubMed 9259202 (cited by Dasa); PubMed 19060277 (cited by Dasa).